The following is an entry in ClinVar:

NM_014516.4(CNOT3):c.1777A>G (p.Ile593Val)

Gene: CNOT3 (CCR4-NOT transcription complex subunit 3; plus strand). Cytogenetic location: 19q13.42.
Variant type: single nucleotide variant.
Coding change: c.1777A>G on transcript NM_014516.4 (MANE Select); coding-DNA position 1777, A replaced by G.
Protein change: p.Ile593Val; replaces isoleucine 593 with valine.
Molecular consequence: missense variant. On other transcripts: non-coding transcript variant (2).
Genome position (GRCh38, 1-based): chr19:54,152,499, A>G. VCF-style: chr19-54152499-A-G. GRCh37 (hg19) VCF-style: chr19-54656236-A-G.
Other names: c.1780A>G, p.Ile594Val (NM_001440653.1, NM_001440655.1, NM_001440657.1 and 3 more transcripts); c.1777A>G, p.Ile593Val (NM_001440664.1, NM_001440654.1, NM_001440656.1 and 1 more transcripts); c.1234A>G, p.Ile412Val (NM_001440659.1, NM_001440660.1); short protein forms I412V, I593V, I594V.
Identifiers: ClinVar variation 4756035 (VCV004756035.1).

ClinVar aggregate classification (germline): Uncertain significance (1 of 4 stars; one submission).

Submission:

GeneDx
Classification: Uncertain significance. Last evaluated: 2025-08-05. Review status: criteria provided, single submitter. Criteria: GeneDx Variant Classification Process June 2021. Collection method: clinical testing. Allele origin: germline. Affected: yes.
Comment: Not observed at significant frequency in large population cohorts (gnomAD); In silico analysis suggests that this missense variant does not alter protein structure/function; Has not been previously published as pathogenic or benign to our knowledge